The following is an entry in ClinVar:

NM_001868.4(CPA1):c.343G>C (p.Asp115His)

Gene: CPA1 (carboxypeptidase A1; plus strand). Cytogenetic location: 7q32.2.
Variant type: single nucleotide variant.
Coding change: c.343G>C on transcript NM_001868.4 (MANE Select); coding-DNA position 343, G replaced by C.
Protein change: p.Asp115His; replaces aspartic acid 115 with histidine.
Molecular consequence: missense variant.
Genome position (GRCh38, 1-based): chr7:130,381,825, G>C. VCF-style: chr7-130381825-G-C. GRCh37 (hg19) VCF-style: chr7-130021666-G-C.
Other names: c.343G>C (NM_001868.2); short protein forms D115H.
Identifiers: ClinVar variation 1058318 (VCV001058318.10), dbSNP rs782573440, ClinGen allele CA369280417.
Genomic context (GRCh38, chr7:130,381,825, plus strand): 5'-TCGCTGCTGGACGAGGAGCAGGAGCAGATGTTCGCCTTCCGGTCCCGGGCGCGCTCCACC[G>C]ACACTTTTAACTACGCCACCTACCACACCCTGGAGGAGGTGAGGGCGCCCCTAGCGGCCG-3'
Protein context (NP_001859.1, residues 105-125): FAFRSRARST[Asp115His]TFNYATYHTL

ClinVar aggregate classification (germline): Uncertain significance. Review status: criteria provided, multiple submitters, no conflicts (2 of 4 stars). 2 submissions from 2 submitters: Uncertain significance (2). Last evaluated 2024-02-06.

Conditions:
Hereditary pancreatitis (PCTT). Also called: Hereditary chronic pancreatitis; PRSS1-Related Hereditary Pancreatitis. Identifiers: Orphanet 676, MedGen C0238339, MONDO:0008185, OMIM 167800.

gnomAD v4.1: 4 of 1,613,930 alleles (0.00025%); highest among the groups gnomAD compares: South Asian, 0.0011%; no homozygotes.

Submissions (2):

Ambry Genetics
Classification: Uncertain significance for Hereditary pancreatitis. Last evaluated: 2024-02-06. Review status: criteria provided, single submitter. Criteria: Ambry Variant Classification Scheme 2023. Collection method: clinical testing. Allele origin: germline.
Comment: The p.D115H variant (also known as c.343G>C), located in coding exon 3 of the CPA1 gene, results from a G to C substitution at nucleotide position 343. The aspartic acid at codon 115 is replaced by histidine, an amino acid with similar properties. This amino acid position is conserved. In addition, this alteration is predicted to be tolerated by in silico analysis. Based on the available evidence, the clinical significance of this alteration remains unclear.

Labcorp Genetics (formerly Invitae), Labcorp
Classification: Uncertain significance. Last evaluated: 2020-01-08. Review status: criteria provided, single submitter. Criteria: Invitae Variant Classification Sherloc (09022015). Collection method: clinical testing. Allele origin: germline.
Comment: In summary, the available evidence is currently insufficient to determine the role of this variant in disease. Therefore, it has been classified as a Variant of Uncertain Significance. Algorithms developed to predict the effect of missense changes on protein structure and function are either unavailable or do not agree on the potential impact of this missense change (SIFT: "Tolerated"; PolyPhen-2: "Possibly Damaging"; Align-GVGD: "Class C0"). This variant has not been reported in the literature in individuals with CPA1-related conditions. This variant is not present in population databases (ExAC no frequency). This sequence change replaces aspartic acid with histidine at codon 115 of the CPA1 protein (p.Asp115His). The aspartic acid residue is moderately conserved and there is a moderate physicochemical difference between aspartic acid and histidine.